The following is an entry in ClinVar:

NM_003070.5(SMARCA2):c.3386G>A (p.Gly1129Asp)

Gene: SMARCA2 (SWI/SNF related BAF chromatin remodeling complex subunit ATPase 2; plus strand). Cytogenetic location: 9p24.3.
Variant type: single nucleotide variant.
Coding change: c.3386G>A on transcript NM_003070.5 (MANE Select); coding-DNA position 3386, G replaced by A.
Protein change: p.Gly1129Asp; replaces glycine 1129 with aspartic acid.
Molecular consequence: missense variant.
Genome position (GRCh38, 1-based): chr9:2,110,347, G>A. VCF-style: chr9-2110347-G-A. GRCh37 (hg19) VCF-style: chr9-2110347-G-A.
Other names: c.3386G>A, p.Gly1129Asp (NM_001289396.2, NM_139045.4); c.3212G>A, p.Gly1071Asp (NM_001289397.2); short protein forms G1129D, G1071D.
Identifiers: ClinVar variation 390604 (VCV000390604.4), dbSNP rs1057523836, ClinGen allele CA16605815.
Genomic context (GRCh38, chr9:2,110,347, plus strand): 5'-TGAAGAAATTCAATGAACCTGGATCCCAGTATTTCATTTTCTTGCTGAGCACAAGAGCTG[G>A]TGGCCTGGGCTTAAATCTTCAGGCAGCTGATACAGTGGTCATCTTTGACAGCGACTGGAA-3'
Protein context (NP_003061.3, residues 1119-1139): YFIFLLSTRA[Gly1129Asp]GLGLNLQAAD

ClinVar aggregate classification (germline): Pathogenic. Review status: criteria provided, multiple submitters, no conflicts (2 of 4 stars). 2 submissions from 2 submitters: Pathogenic (2). Last evaluated 2026-06-29.

Conditions:
Nicolaides-Baraitser syndrome (NCBRS). Also called: SMARCA2-Related Nicolaides-Baraitser Syndrome; Intellectual disability-sparse hair-brachydactyly syndrome. Identifiers: Orphanet 3051, MedGen C1303073, MONDO:0011053, OMIM 601358.

Submissions (2):

Laboratory of Medical Genetics, University of Torino
Classification: Pathogenic for Nicolaides-Baraitser syndrome. Last evaluated: 2026-06-29. Review status: criteria provided, single submitter. Criteria: ACMG Guidelines, 2015. Collection method: clinical testing. Allele origin: unknown. Affected: yes.

GeneDx
Classification: Pathogenic. Last evaluated: 2019-07-23. Review status: criteria provided, single submitter. Criteria: GeneDx Variant Classification Process June 2021. Collection method: clinical testing. Allele origin: germline. Affected: yes.
Comment: Not observed in large population cohorts (Lek et al., 2016); In silico analysis, which includes protein predictors and evolutionary conservation, supports a deleterious effect; Has not been previously published as pathogenic or benign to our knowledge